The following is an entry in ClinVar:

ClinVar aggregate classification (germline): Uncertain significance. Review status: criteria provided, multiple submitters, no conflicts (2 of 4 stars). 7 submissions from 7 submitters: Uncertain significance (6). 1 of the submissions does not count toward it. Last evaluated 2026-07-21.

Conditions:
RYR2-related disorder. Also called: RYR2-related condition.
Cardiomyopathy (CMYO). Also called: Cardiomyopathies. Identifiers: Orphanet 167848, MedGen C0878544, MONDO:0004994, HP:0001638. Inheritance: Various modes of inheritance.
Catecholaminergic polymorphic ventricular tachycardia 1. Also called: RYR2-Related Catecholaminergic Polymorphic Ventricular Tachycardia; VENTRICULAR TACHYCARDIA, CATECHOLAMINERGIC POLYMORPHIC, 1, WITH OR WITHOUT ATRIAL DYSFUNCTION AND/OR DILATED CARDIOMYOPATHY; VENTRICULAR TACHYCARDIA, STRESS-INDUCED POLYMORPHIC 1. Identifiers: Orphanet 3286, MedGen C1631597, MONDO:0011484, OMIM 604772.
Cardiovascular phenotype. Identifiers: MedGen CN230736.
Catecholaminergic polymorphic ventricular tachycardia (CVPT). Also called: Catecholamine-induced polymorphic ventricular tachycardia. Identifiers: Orphanet 3286, MedGen C5574922, MONDO:0017990.

Allele frequency attached by ClinVar (database versions not stated): gnomAD exomes below 0.00001; TOPMed 0.00002; gnomAD 0.00003.
gnomAD v4.1: 10 of 1,613,356 alleles (0.00062%); highest among the groups gnomAD compares: African/African-American, 0.0013%; no homozygotes.

Submissions (7):

Ambry Genetics
Classification: Uncertain significance for Cardiovascular phenotype. Last evaluated: 2026-07-21. Review status: criteria provided, single submitter. Criteria: Ambry Variant Classification Scheme 2023. Collection method: clinical testing. Allele origin: germline.
Comment: The p.N1601S variant (also known as c.4802A>G), located in coding exon 36 of the RYR2 gene, results from an A to G substitution at nucleotide position 4802. The asparagine at codon 1601 is replaced by serine, an amino acid with highly similar properties. This amino acid position is conserved. In addition, the in silico prediction for this alteration is inconclusive. Based on the available evidence, the clinical significance of this variant remains unclear.

Women's Health and Genetics/Laboratory Corporation of America, LabCorp
Classification: Uncertain significance. Last evaluated: 2025-12-02. Review status: criteria provided, single submitter. Criteria: LabCorp Variant Classification Summary - May 2015. Collection method: clinical testing. Allele origin: germline.

Color Diagnostics, LLC DBA Color Health
Classification: Uncertain significance for Cardiomyopathy. Last evaluated: 2025-07-01. Review status: criteria provided, single submitter. Criteria: ACMG Guidelines, 2015. Collection method: clinical testing. Allele origin: germline.
Comment: This missense variant replaces asparagine with serine at codon 1601 of the RYR2 protein. Computational prediction suggests that this variant may not impact protein structure and function. To our knowledge, functional studies have not been reported for this variant. This variant has not been reported in individuals affected with RYR2-related disorders in the literature. This variant has been identified in 2/279534 chromosomes in the general population by the Genome Aggregation Database (gnomAD). The available evidence is insufficient to determine the role of this variant in disease conclusively. Therefore, this variant is classified as a Variant of Uncertain Significance.

Molecular Diagnostic Laboratory for Inherited Cardiovascular Disease, Montreal Heart Institute
Classification: Uncertain significance for Cardiovascular phenotype. Last evaluated: 2025-04-09. Review status: criteria provided, single submitter. Criteria: ACMG Guidelines, 2015. Collection method: clinical testing. Allele origin: germline. Affected: yes.
Comment: PM2;PP2

All of Us Research Program, National Institutes of Health
Classification: Uncertain significance for Catecholaminergic polymorphic ventricular tachycardia. Last evaluated: 2023-10-02. Review status: criteria provided, single submitter. Criteria: ACMG Guidelines, 2015. Collection method: clinical testing. Allele origin: germline. Inheritance: Autosomal dominant inheritance. Observed: 2 variant alleles, 2 heterozygotes.
Comment: This missense variant replaces asparagine with serine at codon 1601 of the RYR2 protein. Computational prediction suggests that this variant may not impact protein structure and function (internally defined REVEL score threshold <= 0.5, PMID: 27666373). To our knowledge, functional studies have not been reported for this variant. This variant has not been reported in individuals affected with cardiovascular disorders in the literature. This variant has been identified in 2/279534 chromosomes in the general population by the Genome Aggregation Database (gnomAD). The available evidence is insufficient to determine the role of this variant in disease conclusively. Therefore, this variant is classified as a Variant of Uncertain Significance.

This study involves interpretation of variants in research participants for the purpose of population health screening. Participant phenotype was not available at the time of variant classification. Additional details can be found in publication PMID: 35346344, PMCID: PMC8962531

Labcorp Genetics (formerly Invitae), Labcorp
Classification: Uncertain significance for Catecholaminergic polymorphic ventricular tachycardia 1. Last evaluated: 2022-08-07. Review status: criteria provided, single submitter. Criteria: Invitae Variant Classification Sherloc (09022015). Collection method: clinical testing. Allele origin: germline.
Comment: The frequency data for this variant in the population databases is considered unreliable, as metrics indicate poor data quality at this position in the gnomAD database. This variant has not been reported in the literature in individuals affected with RYR2-related conditions. ClinVar contains an entry for this variant (Variation ID: 629561). Algorithms developed to predict the effect of missense changes on protein structure and function (SIFT, PolyPhen-2, Align-GVGD) all suggest that this variant is likely to be disruptive. In summary, the available evidence is currently insufficient to determine the role of this variant in disease. Therefore, it has been classified as a Variant of Uncertain Significance. This sequence change replaces asparagine, which is neutral and polar, with serine, which is neutral and polar, at codon 1601 of the RYR2 protein (p.Asn1601Ser).

PreventionGenetics, part of Exact Sciences
Classification: Uncertain significance for RYR2-related condition. Last evaluated: 2023-11-30. Review status: no assertion criteria provided. Collection method: clinical testing. Allele origin: germline. Not counted in ClinVar's aggregate classification.
Comment: The RYR2 c.4802A>G variant is predicted to result in the amino acid substitution p.Asn1601Ser. To our knowledge, this variant has not been reported in the literature. This variant is reported in 0.0042% of alleles in individuals of African descent in gnomAD. At this time, the clinical significance of this variant is uncertain due to the absence of conclusive functional and genetic evidence.

NM_001035.3(RYR2):c.4802A>G (p.Asn1601Ser)

Gene: RYR2 (ryanodine receptor 2; plus strand). Cytogenetic location: 1q43.
Variant type: single nucleotide variant.
Coding change: c.4802A>G on transcript NM_001035.3 (MANE Select); coding-DNA position 4802, A replaced by G.
Protein change: p.Asn1601Ser; replaces asparagine 1601 with serine.
Molecular consequence: missense variant.
Genome position (GRCh38, 1-based): chr1:237,610,880, A>G. VCF-style: chr1-237610880-A-G. GRCh37 (hg19) VCF-style: chr1-237774180-A-G.
Other names: c.4802A>G, p.Asn1601Ser (LRG_402t1); short protein forms N1601S.
Identifiers: ClinVar variation 629561 (VCV000629561.14), dbSNP rs1474971861, ClinGen allele CA345402620.